The following is an entry in ClinVar:

NC_000008.11:g.(?_67193464)_(67193602_?)del

Gene: CSPP1 (centrosome and spindle pole associated protein 1; plus strand). Cytogenetic location: 8q13.2.
Variant type: Deletion.
Identifiers: ClinVar variation 832121 (VCV000832121.2).

ClinVar aggregate classification (germline): Uncertain significance (1 of 4 stars; one submission).

Conditions:
Joubert syndrome 21 (JBTS21). Identifiers: MedGen C3810212, MONDO:0014288, OMIM 615636.

Submission:

Labcorp Genetics (formerly Invitae), Labcorp
Classification: Uncertain significance for Joubert syndrome 21. Last evaluated: 2019-10-01. Review status: criteria provided, single submitter. Criteria: Invitae Variant Classification Sherloc (09022015). Collection method: clinical testing. Allele origin: germline.
Comment: This variant is a sub-genic deletion of the genomic region encompassing exon 28 of the CSPP1 gene. While this deletion is not anticipated to result in nonsense mediated decay, it is expected to create a truncated protein product. This variant has not been reported in the literature in individuals with CSPP1-related conditions. Experimental studies and prediction algorithms are not available or were not evaluated, and the functional significance of this variant is currently unknown. In summary, the available evidence is currently insufficient to determine the role of this variant in disease. Therefore, it has been classified as a Variant of Uncertain Significance.